The following is an entry in ClinVar:

ClinVar aggregate classification (germline): Uncertain significance. Review status: criteria provided, multiple submitters, no conflicts (2 of 4 stars). 2 submissions from 2 submitters: Uncertain significance (2). Last evaluated 2025-02-22.

Conditions:
Inborn genetic diseases. Identifiers: MedGen C0950123, MeSH D030342.

Allele frequency attached by ClinVar (database versions not stated): gnomAD exomes 0.00001 and 0.00003; ExAC 0.00004; gnomAD 0.00015 and 0.00016; 1000 Genomes Project 0.00020; ESP Exome Variant Server 0.00023; 1000 Genomes Project 30x 0.00031.

Submissions (2):

Ambry Genetics
Classification: Uncertain significance for Inborn genetic diseases. Last evaluated: 2025-02-22. Review status: criteria provided, single submitter. Criteria: Ambry Variant Classification Scheme 2023. Collection method: clinical testing. Allele origin: germline.

Labcorp Genetics (formerly Invitae), Labcorp
Classification: Uncertain significance. Last evaluated: 2022-06-04. Review status: criteria provided, single submitter. Criteria: Invitae Variant Classification Sherloc (09022015). Collection method: clinical testing. Allele origin: germline.
Comment: This sequence change replaces alanine, which is neutral and non-polar, with valine, which is neutral and non-polar, at codon 19 of the DGUOK protein (p.Ala19Val). This variant is present in population databases (rs143349800, gnomAD 0.05%). This variant has not been reported in the literature in individuals affected with DGUOK-related conditions. ClinVar contains an entry for this variant (Variation ID: 1421990). Algorithms developed to predict the effect of missense changes on protein structure and function output the following: SIFT: "Tolerated"; PolyPhen-2: "Benign"; Align-GVGD: "Class C0". The valine amino acid residue is found in multiple mammalian species, which suggests that this missense change does not adversely affect protein function. In summary, the available evidence is currently insufficient to determine the role of this variant in disease. Therefore, it has been classified as a Variant of Uncertain Significance.

NM_080916.3(DGUOK):c.56C>T (p.Ala19Val)

Genes: DGUOK (deoxyguanosine kinase; plus strand), LOC129934096 (ATAC-STARR-seq lymphoblastoid active region 16036; plus strand). Cytogenetic location: 2p13.1.
Variant type: single nucleotide variant.
Coding change: c.56C>T on transcript NM_080916.3 (MANE Select); coding-DNA position 56, C replaced by T.
Protein change: p.Ala19Val; replaces alanine 19 with valine.
Molecular consequence: missense variant. On other transcripts: 5 prime UTR variant (4), non-coding transcript variant (6).
Genome position (GRCh38, 1-based): chr2:73,926,966, C>T. VCF-style: chr2-73926966-C-T. GRCh37 (hg19) VCF-style: chr2-74154093-C-T.
Other names: c.56C>T, p.Ala19Val (NM_001318859.2, NM_080918.3); c.-123C>T (NM_001318860.2, NM_001318863.2); c.-209C>T (NM_001318861.2, NM_001318862.2); c.56C>T (NM_080916.1); short protein forms A19V.
Identifiers: ClinVar variation 1421990 (VCV001421990.4), dbSNP rs143349800, ClinGen allele CA1718133.